The following is an entry in ClinVar:

NM_004360.5(CDH1):c.280C>A (p.Pro94Thr)

Gene: CDH1 (cadherin 1; plus strand). Cytogenetic location: 16q22.1.
Variant type: single nucleotide variant.
Coding change: c.280C>A on transcript NM_004360.5 (MANE Select); coding-DNA position 280, C replaced by A.
Protein change: p.Pro94Thr; replaces proline 94 with threonine.
Molecular consequence: missense variant. On other transcripts: 5 prime UTR variant (2).
Genome position (GRCh38, 1-based): chr16:68,801,786, C>A. VCF-style: chr16-68801786-C-A. GRCh37 (hg19) VCF-style: chr16-68835689-C-A.
Other names: c.280C>A, p.Pro94Thr (NM_001317184.2); c.-1336C>A (NM_001317185.2); c.-1540C>A (NM_001317186.2); short protein forms P94T.
Identifiers: ClinVar variation 3655968 (VCV003655968.2).
Genomic context (GRCh38, chr16:68,801,786, plus strand): 5'-CGATTCAAAGTGGGCACAGATGGTGTGATTACAGTCAAAAGGCCTCTACGGTTTCATAAC[C>A]CACAGATCCATTTCTTGGTCTACGCCTGGGACTCCACCTACAGAAAGTTTTCCACCAAAG-3'
Protein context (NP_004351.1, residues 84-104): TVKRPLRFHN[Pro94Thr]QIHFLVYAWD

ClinVar aggregate classification (germline): Uncertain significance (1 of 4 stars; one submission).

Conditions:
Hereditary diffuse gastric adenocarcinoma (HDGC). Also called: DIFFUSE GASTRIC AND LOBULAR BREAST CANCER SYNDROME. Identifiers: Orphanet 26106, MedGen C1708349, MONDO:0007648, OMIM 137215.

Submission:

Labcorp Genetics (formerly Invitae), Labcorp
Classification: Uncertain significance for Hereditary diffuse gastric adenocarcinoma. Last evaluated: 2024-06-09. Review status: criteria provided, single submitter. Criteria: Invitae Variant Classification Sherloc (09022015). Collection method: clinical testing. Allele origin: germline.
Comment: This sequence change replaces proline, which is neutral and non-polar, with threonine, which is neutral and polar, at codon 94 of the CDH1 protein (p.Pro94Thr). This variant is not present in population databases (gnomAD no frequency). This variant has not been reported in the literature in individuals affected with CDH1-related conditions. An algorithm developed to predict the effect of missense changes on protein structure and function (PolyPhen-2) suggests that this variant is likely to be tolerated. In summary, the available evidence is currently insufficient to determine the role of this variant in disease. Therefore, it has been classified as a Variant of Uncertain Significance.